The following is an entry in ClinVar:

ClinVar aggregate classification (germline): Uncertain significance (1 of 4 stars; one submission).

Conditions:
Dyskeratosis congenita, autosomal recessive 5 (DKCB5). Identifiers: MedGen C3554656, MONDO:0014076, OMIM 615190.
Pulmonary fibrosis and/or bone marrow failure, Telomere-related, 3. Also called: PULMONARY FIBROSIS AND/OR BONE MARROW FAILURE SYNDROME, TELOMERE-RELATED, 3. Identifiers: Orphanet 2032, MedGen C4225346, MONDO:0014613, OMIM 616373.

Submission:

Labcorp Genetics (formerly Invitae), Labcorp
Classification: Uncertain significance for Dyskeratosis congenita, autosomal recessive 5; Pulmonary fibrosis and/or bone marrow failure, Telomere-related, 3. Last evaluated: 2023-04-15. Review status: criteria provided, single submitter. Criteria: Invitae Variant Classification Sherloc (09022015). Collection method: clinical testing. Allele origin: germline.
Comment: Experimental studies and prediction algorithms are not available or were not evaluated, and the functional significance of this variant is currently unknown. This variant, c.2656_2658del, results in the deletion of 1 amino acid(s) of the RTEL1 protein (p.Glu886del), but otherwise preserves the integrity of the reading frame. This variant is not present in population databases (gnomAD no frequency). This variant has not been reported in the literature in individuals affected with RTEL1-related conditions. Algorithms developed to predict the effect of sequence changes on RNA splicing suggest that this variant may disrupt the consensus splice site. In summary, the available evidence is currently insufficient to determine the role of this variant in disease. Therefore, it has been classified as a Variant of Uncertain Significance.

NC_000020.11:g.63692805GAG[1]

Genes: RTEL1-TNFRSF6B (RTEL1-TNFRSF6B readthrough (NMD candidate); plus strand), RTEL1 (regulator of telomere elongation helicase 1; plus strand). Cytogenetic location: 20q13.33.
Variant type: Microsatellite.
Genome position: GRCh38 VCF-style: chr20-63692802-CAGG-C. GRCh37 (hg19) VCF-style: chr20-62324155-CAGG-C.
Identifiers: ClinVar variation 1384786 (VCV001384786.6), dbSNP rs2145445535, ClinGen allele CA2580616363.